The following is an entry in ClinVar:

ClinVar aggregate classification (germline): Uncertain significance (1 of 4 stars; one submission).

Conditions:
Early-onset Lafora body disease. Also called: Epilepsy, progressive myoclonic, 10. Identifiers: Orphanet 324290, MedGen C4225258, MONDO:0014717, OMIM 616640.

gnomAD v4.1: 5 of 1,610,716 alleles (0.00031%); highest among the groups gnomAD compares: Non-Finnish European, 0.00034%; no homozygotes.

Submission:

Labcorp Genetics (formerly Invitae), Labcorp
Classification: Uncertain significance for Early-onset Lafora body disease. Last evaluated: 2022-08-09. Review status: criteria provided, single submitter. Criteria: Invitae Variant Classification Sherloc (09022015). Collection method: clinical testing. Allele origin: germline.
Comment: This variant is not present in population databases (gnomAD no frequency). This sequence change replaces proline, which is neutral and non-polar, with arginine, which is basic and polar, at codon 613 of the PRDM8 protein (p.Pro613Arg). This variant has not been reported in the literature in individuals affected with PRDM8-related conditions. ClinVar contains an entry for this variant (Variation ID: 475675). Algorithms developed to predict the effect of missense changes on protein structure and function are either unavailable or do not agree on the potential impact of this missense change (SIFT: "Deleterious"; PolyPhen-2: "Probably Damaging"; Align-GVGD: "Class C0"). In summary, the available evidence is currently insufficient to determine the role of this variant in disease. Therefore, it has been classified as a Variant of Uncertain Significance.

NM_001099403.2(PRDM8):c.1838C>G (p.Pro613Arg)

Gene: PRDM8 (PR/SET domain 8; plus strand). Cytogenetic location: 4q21.21.
Variant type: single nucleotide variant.
Coding change: c.1838C>G on transcript NM_001099403.2 (MANE Select); coding-DNA position 1838, C replaced by G.
Protein change: p.Pro613Arg; replaces proline 613 with arginine.
Molecular consequence: missense variant.
Genome position (GRCh38, 1-based): chr4:80,203,300, C>G. VCF-style: chr4-80203300-C-G. GRCh37 (hg19) VCF-style: chr4-81124454-C-G.
Other names: c.1838C>G, p.Pro613Arg (NM_020226.4); short protein forms P613R.
Identifiers: ClinVar variation 475675 (VCV000475675.8), dbSNP rs1553906552, ClinGen allele CA357402999.